The following is an entry in ClinVar:

NM_000078.3(CETP):c.822C>G (p.Asp274Glu)

Gene: CETP (cholesteryl ester transfer protein; plus strand). Cytogenetic location: 16q13.
Variant type: single nucleotide variant.
Coding change: c.822C>G on transcript NM_000078.3 (MANE Select); coding-DNA position 822, C replaced by G.
Protein change: p.Asp274Glu; replaces aspartic acid 274 with glutamic acid.
Molecular consequence: missense variant. On other transcripts: intron variant (1).
Genome position (GRCh38, 1-based): chr16:56,973,402, C>G. VCF-style: chr16-56973402-C-G. GRCh37 (hg19) VCF-style: chr16-57007314-C-G.
Other names: c.750+1319C>G (NM_001286085.2); short protein forms D274E.
Identifiers: ClinVar variation 3621451 (VCV003621451.2).

ClinVar aggregate classification (germline): Uncertain significance (1 of 4 stars; one submission).

gnomAD v4.1: 1 of 1,614,108 alleles (0.000062%); highest among the groups gnomAD compares: Admixed American, 0.0017%; no homozygotes.

Submission:

Labcorp Genetics (formerly Invitae), Labcorp
Classification: Uncertain significance. Last evaluated: 2024-07-23. Review status: criteria provided, single submitter. Criteria: Invitae Variant Classification Sherloc (09022015). Collection method: clinical testing. Allele origin: germline.
Comment: This sequence change replaces aspartic acid, which is acidic and polar, with glutamic acid, which is acidic and polar, at codon 274 of the CETP protein (p.Asp274Glu). This variant is not present in population databases (gnomAD no frequency). This variant has not been reported in the literature in individuals affected with CETP-related conditions. Advanced modeling of protein sequence and biophysical properties (such as structural, functional, and spatial information, amino acid conservation, physicochemical variation, residue mobility, and thermodynamic stability) performed at Invitae indicates that this missense variant is not expected to disrupt CETP protein function with a negative predictive value of 80%. In summary, the available evidence is currently insufficient to determine the role of this variant in disease. Therefore, it has been classified as a Variant of Uncertain Significance.